The following is an entry in ClinVar:

ClinVar aggregate classification (germline): Pathogenic (1 of 4 stars; one submission).

Conditions:
Hereditary spastic paraplegia 39 (SPG39). Also called: SPASTIC PARAPLEGIA 39, AUTOSOMAL RECESSIVE; Spastic Paraplegia Type 39 (SPG39). Identifiers: Orphanet 139480, MedGen C2677586, MONDO:0012787, OMIM 612020.

Allele frequency attached by ClinVar (database versions not stated): TOPMed below 0.00001; gnomAD exomes 0.00001.
gnomAD v4.1: 4 of 1,613,302 alleles (0.00025%); highest among the groups gnomAD compares: Non-Finnish European, 0.00034%; no homozygotes.

Submission:

Labcorp Genetics (formerly Invitae), Labcorp
Classification: Pathogenic for Hereditary spastic paraplegia 39. Last evaluated: 2023-10-20. Review status: criteria provided, single submitter. Criteria: Invitae Variant Classification Sherloc (09022015). Collection method: clinical testing. Allele origin: germline.
Comment: This sequence change creates a premature translational stop signal (p.Leu1246*) in the PNPLA6 gene. It is expected to result in an absent or disrupted protein product. Loss-of-function variants in PNPLA6 are known to be pathogenic (PMID: 24355708). This variant is not present in population databases (gnomAD no frequency). This variant has not been reported in the literature in individuals affected with PNPLA6-related conditions. ClinVar contains an entry for this variant (Variation ID: 1975411). Algorithms developed to predict the effect of sequence changes on RNA splicing suggest that this variant may disrupt the consensus splice site. For these reasons, this variant has been classified as Pathogenic.

Literature cited by the submitters: PubMed 24355708.

NM_001166114.2(PNPLA6):c.3851T>A (p.Leu1284Ter)

Gene: PNPLA6 (patatin like domain 6, lysophospholipase; plus strand). Cytogenetic location: 19p13.2.
Variant type: single nucleotide variant.
Coding change: c.3851T>A on transcript NM_001166114.2 (MANE Select); coding-DNA position 3851, T replaced by A.
Protein change: p.Leu1284Ter; replaces leucine 1284 with a stop codon.
Molecular consequence: nonsense.
Genome position (GRCh38, 1-based): chr19:7,561,048, T>A. VCF-style: chr19-7561048-T-A. GRCh37 (hg19) VCF-style: chr19-7625934-T-A.
Other names: c.3881T>A, p.Leu1294Ter (NM_001166111.2); c.3656T>A, p.Leu1219Ter (NM_001166112.2); c.3737T>A, p.Leu1246Ter (NM_001166113.1, NM_006702.5); short protein forms L1246*, L1284*, L1294*, L1219*.
Identifiers: ClinVar variation 1975411 (VCV001975411.5), dbSNP rs2024078763, ClinGen allele CA403138434.